The following is an entry in ClinVar:

NM_000136.3(FANCC):c.984A>C (p.Lys328Asn)

Genes: AOPEP (aminopeptidase O (putative); plus strand), FANCC (FA complementation group C; minus strand). Cytogenetic location: 9q22.32.
Variant type: single nucleotide variant.
Coding change: c.984A>C on transcript NM_000136.3 (MANE Select); coding-DNA position 984, A replaced by C.
Protein change: p.Lys328Asn; replaces lysine 328 with asparagine.
Molecular consequence: missense variant.
Genome position (GRCh38, 1-based): chr9:95,125,098, T>G on the plus strand (A>C on the coding strand, the complement: FANCC is on the minus strand). VCF-style: chr9-95125098-T-G. GRCh37 (hg19) VCF-style: chr9-97887380-T-G.
Other names: c.984A>C, p.Lys328Asn (NM_001243743.2, NM_001243744.2); short protein forms K328N.
Identifiers: ClinVar variation 4826736 (VCV004826736.1).

ClinVar aggregate classification (germline): Uncertain significance (1 of 4 stars; one submission).

Conditions:
Hereditary cancer-predisposing syndrome. Also called: Neoplastic Syndromes, Hereditary; Tumor predisposition; Hereditary Cancer Syndrome; Hereditary neoplastic syndrome. Identifiers: Orphanet 140162, MedGen C0027672, MeSH D009386, MONDO:0015356.

Submission:

Ambry Genetics
Classification: Uncertain significance for Hereditary cancer-predisposing syndrome. Last evaluated: 2026-03-11. Review status: criteria provided, single submitter. Criteria: Ambry Variant Classification Scheme 2023. Collection method: clinical testing. Allele origin: germline.
Comment: The p.K328N variant (also known as c.984A>C), located in coding exon 9 of the FANCC gene, results from an A to C substitution at nucleotide position 984. The lysine at codon 328 is replaced by asparagine, an amino acid with similar properties. This amino acid position is conserved. In addition, this alteration is predicted to be tolerated by in silico analysis. Based on the available evidence, the clinical significance of this variant remains unclear.